The following is an entry in ClinVar:

ClinVar aggregate classification (germline): Uncertain significance. Review status: criteria provided, multiple submitters, no conflicts (2 of 4 stars). 2 submissions from 2 submitters: Uncertain significance (2). Last evaluated 2025-03-08.

Conditions:
FAT4-related disorder. Also called: FAT4-related condition.

Allele frequency attached by ClinVar (database versions not stated): gnomAD exomes below 0.00001; ExAC 0.00001; gnomAD 0.00001 and 0.00002; TOPMed 0.00001; 1000 Genomes Project 30x 0.00016; 1000 Genomes Project 0.00020.
gnomAD v4.1: 6 of 1,614,106 alleles (0.00037%); highest among the groups gnomAD compares: Non-Finnish European, 0.00051%; no homozygotes.

Submissions (2):

PreventionGenetics, part of Exact Sciences
Classification: Uncertain significance for FAT4-related condition. Last evaluated: 2025-03-08. Review status: criteria provided, single submitter. Criteria: ACMG Guidelines, 2015. Collection method: clinical testing. Allele origin: germline.
Comment: The FAT4 c.3722A>G variant is predicted to result in the amino acid substitution p.Asn1241Ser. To our knowledge, this variant has not been reported in the literature. This variant is reported in 0.0016% of alleles in individuals of European (Non-Finnish) descent in gnomAD. At this time, the clinical significance of this variant is uncertain due to the absence of conclusive functional and genetic evidence.

Labcorp Genetics (formerly Invitae), Labcorp
Classification: Uncertain significance. Last evaluated: 2020-10-08. Review status: criteria provided, single submitter. Criteria: Invitae Variant Classification Sherloc (09022015). Collection method: clinical testing. Allele origin: germline.
Comment: In summary, the available evidence is currently insufficient to determine the role of this variant in disease. Therefore, it has been classified as a Variant of Uncertain Significance. Advanced modeling of protein sequence and biophysical properties (such as structural, functional, and spatial information, amino acid conservation, physicochemical variation, residue mobility, and thermodynamic stability) performed at Invitae indicates that this missense variant is not expected to disrupt FAT4 protein function. This variant has not been reported in the literature in individuals with FAT4-related conditions. This variant is present in population databases (rs200169047, ExAC 0.002%). This sequence change replaces asparagine with serine at codon 1241 of the FAT4 protein (p.Asn1241Ser). The asparagine residue is weakly conserved and there is a small physicochemical difference between asparagine and serine.

NM_001291303.3(FAT4):c.3722A>G (p.Asn1241Ser)

Gene: FAT4 (FAT atypical cadherin 4; plus strand). Cytogenetic location: 4q28.1.
Variant type: single nucleotide variant.
Coding change: c.3722A>G on transcript NM_001291303.3 (MANE Select); coding-DNA position 3722, A replaced by G.
Protein change: p.Asn1241Ser; replaces asparagine 1241 with serine.
Molecular consequence: missense variant.
Genome position (GRCh38, 1-based): chr4:125,320,133, A>G. VCF-style: chr4-125320133-A-G. GRCh37 (hg19) VCF-style: chr4-126241288-A-G.
Other names: c.3722A>G (NM_001291303.1); c.3722A>G, p.Asn1241Ser (NM_001291285.3, NM_024582.6); short protein forms N1241S.
Identifiers: ClinVar variation 1000111 (VCV001000111.5), dbSNP rs200169047, ClinGen allele CA3072354.